The following is an entry in ClinVar:

ClinVar aggregate classification (germline): Benign/Likely benign. Review status: criteria provided, multiple submitters, no conflicts (2 of 4 stars). 2 submissions from 2 submitters: Benign (1); Likely benign (1). Last evaluated 2024-06-20.

Conditions:
Familial cancer of breast. Also called: Hereditary breast cancer; BREAST CANCER, FAMILIAL; hereditary breast carcinoma. Identifiers: Orphanet 227535, MedGen C0346153, MONDO:0016419, OMIM 114480. Disease mechanism: loss of function.
Ataxia-telangiectasia syndrome (AT). Also called: ATAXIA-TELANGIECTASIA, COMPLEMENTATION GROUP A; ATAXIA-TELANGIECTASIA, FRESNO VARIANT; Ataxia-telangiectasia; Ataxia-telangiectasia, complementation group D; AT, COMPLEMENTATION GROUP C; Ataxia-telangiectasia, complementation group E. Identifiers: Orphanet 100, MedGen C0004135, MONDO:0008840, OMIM 208900.

Submissions (2):

Myriad Genetics, Inc.
Classification: Benign for Familial cancer of breast. Last evaluated: 2024-06-20. Review status: criteria provided, single submitter. Criteria: Myriad Autosomal Dominant, Autosomal Recessive and X-Linked Classification Criteria (2023). Collection method: clinical testing. Allele origin: unknown.
Comment: This variant is considered benign. This variant is a silent/synonymous amino acid change and it is not expected to impact splicing.

Labcorp Genetics (formerly Invitae), Labcorp
Classification: Likely benign for Ataxia-telangiectasia syndrome. Last evaluated: 2019-01-21. Review status: criteria provided, single submitter. Criteria: Invitae Variant Classification Sherloc (09022015). Collection method: clinical testing. Allele origin: germline.

NM_000051.4(ATM):c.8571T>G (p.Ala2857=)

Genes: ATM (ATM serine/threonine kinase; plus strand), C11orf65 (chromosome 11 open reading frame 65; minus strand). Cytogenetic location: 11q22.3.
Variant type: single nucleotide variant.
Coding change: c.8571T>G on transcript NM_000051.4 (MANE Select); coding-DNA position 8571, T replaced by G.
Protein change: p.Ala2857=; no amino-acid change (alanine 2857 retained).
Molecular consequence: synonymous variant. On other transcripts: intron variant (2).
Genome position (GRCh38, 1-based): chr11:108,345,895, T>G. VCF-style: chr11-108345895-T-G. GRCh37 (hg19) VCF-style: chr11-108216622-T-G.
Other names: c.8571T>G, p.Ala2857= (NM_001351834.2); c.641-36824A>C (NM_001330368.2); c.695-10603A>C (NM_001351110.2).
Identifiers: ClinVar variation 794345 (VCV000794345.12), dbSNP rs786203050, ClinGen allele CA476673162.